The following is an entry in ClinVar:

ClinVar aggregate classification (germline): Uncertain significance (1 of 4 stars; one submission).

Conditions:
Autosomal recessive severe congenital neutropenia due to CSF3R deficiency. Also called: Neutropenia, severe congenital, 7, autosomal recessive. Identifiers: Orphanet 420702, MedGen C4310764, MONDO:0014865, OMIM 617014.

Submission:

Labcorp Genetics (formerly Invitae), Labcorp
Classification: Uncertain significance for Autosomal recessive severe congenital neutropenia due to CSF3R deficiency. Last evaluated: 2025-09-22. Review status: criteria provided, single submitter. Criteria: Invitae Variant Classification Sherloc (09022015). Collection method: clinical testing. Allele origin: germline.
Comment: This sequence change replaces threonine, which is neutral and polar, with alanine, which is neutral and non-polar, at codon 340 of the CSF3R protein (p.Thr340Ala). This variant is not present in population databases (gnomAD no frequency). This variant has not been reported in the literature in individuals affected with CSF3R-related conditions. ClinVar contains an entry for this variant (Variation ID: 1018072). Invitae Evidence Modeling of protein sequence and biophysical properties (such as structural, functional, and spatial information, amino acid conservation, physicochemical variation, residue mobility, and thermodynamic stability) indicates that this missense variant is not expected to disrupt CSF3R protein function with a negative predictive value of 80%. In summary, the available evidence is currently insufficient to determine the role of this variant in disease. Therefore, it has been classified as a Variant of Uncertain Significance.

NM_000760.4(CSF3R):c.1018A>G (p.Thr340Ala)

Gene: CSF3R (colony stimulating factor 3 receptor; minus strand). Cytogenetic location: 1p34.3.
Variant type: single nucleotide variant.
Coding change: c.1018A>G on transcript NM_000760.4 (MANE Select); coding-DNA position 1018, A replaced by G.
Protein change: p.Thr340Ala; replaces threonine 340 with alanine.
Molecular consequence: missense variant.
Genome position (GRCh38, 1-based): chr1:36,472,119, T>C on the plus strand (A>G on the coding strand, the complement: CSF3R is on the minus strand). VCF-style: chr1-36472119-T-C. GRCh37 (hg19) VCF-style: chr1-36937720-T-C.
Other names: c.1018A>G, p.Thr340Ala (NM_156039.3, NM_172313.3); short protein forms T340A.
Identifiers: ClinVar variation 1018072 (VCV001018072.8), dbSNP rs1650787609, ClinGen allele CA339422175.